The following is an entry in ClinVar:

ClinVar aggregate classification (germline): Uncertain significance (1 of 4 stars; one submission).

Conditions:
Inborn genetic diseases. Identifiers: MedGen C0950123, MeSH D030342.

Submission:

Ambry Genetics
Classification: Uncertain significance for Inborn genetic diseases. Last evaluated: 2025-12-20. Review status: criteria provided, single submitter. Criteria: Ambry Variant Classification Scheme 2023. Collection method: clinical testing. Allele origin: germline.
Comment: The p.L205V variant (also known as c.613C>G), located in coding exon 6 of the BUB1B gene, results from a C to G substitution at nucleotide position 613. The leucine at codon 205 is replaced by valine, an amino acid with highly similar properties. This amino acid position is conserved. In addition, this alteration is predicted to be tolerated by in silico analysis. Based on the available evidence, the clinical significance of this variant remains unclear.

NM_001211.6(BUB1B):c.613C>G (p.Leu205Val)

Gene: BUB1B (BUB1 mitotic checkpoint serine/threonine kinase B; plus strand). Cytogenetic location: 15q15.1.
Variant type: single nucleotide variant.
Coding change: c.613C>G on transcript NM_001211.6 (MANE Select); coding-DNA position 613, C replaced by G.
Protein change: p.Leu205Val; replaces leucine 205 with valine.
Molecular consequence: missense variant.
Genome position (GRCh38, 1-based): chr15:40,183,745, C>G. VCF-style: chr15-40183745-C-G. GRCh37 (hg19) VCF-style: chr15-40475946-C-G.
Other names: short protein forms L205V.
Identifiers: ClinVar variation 4842699 (VCV004842699.1).